The following is an entry in ClinVar:

NM_001113378.2(FANCI):c.1531A>C (p.Met511Leu)

Gene: FANCI (FA complementation group I; plus strand). Cytogenetic location: 15q26.1.
Variant type: single nucleotide variant.
Coding change: c.1531A>C on transcript NM_001113378.2 (MANE Select); coding-DNA position 1531, A replaced by C.
Protein change: p.Met511Leu; replaces methionine 511 with leucine.
Molecular consequence: missense variant.
Genome position (GRCh38, 1-based): chr15:89,281,783, A>C. VCF-style: chr15-89281783-A-C. GRCh37 (hg19) VCF-style: chr15-89825014-A-C.
Other names: c.1252A>C, p.Met418Leu (NM_001376910.1); c.1531A>C, p.Met511Leu (NM_001376911.1, NM_018193.3); short protein forms M511L, M418L.
Identifiers: ClinVar variation 661170 (VCV000661170.8), dbSNP rs1596285157, ClinGen allele CA393744615.

ClinVar aggregate classification (germline): Uncertain significance (1 of 4 stars; one submission).

Conditions:
Fanconi anemia (FA). Also called: Fanconi's anemia. Identifiers: Orphanet 84, MedGen C0015625, MeSH D005199, MONDO:0019391.

Submission:

Labcorp Genetics (formerly Invitae), Labcorp
Classification: Uncertain significance for Fanconi anemia. Last evaluated: 2018-08-04. Review status: criteria provided, single submitter. Criteria: Invitae Variant Classification Sherloc (09022015). Collection method: clinical testing. Allele origin: germline.
Comment: In summary, the available evidence is currently insufficient to determine the role of this variant in disease. Therefore, it has been classified as a Variant of Uncertain Significance. Algorithms developed to predict the effect of missense changes on protein structure and function output the following: SIFT: "Tolerated"; PolyPhen-2: "Benign"; Align-GVGD: "Class C0". The leucine amino acid residue is found in multiple mammalian species, suggesting that this missense change does not adversely affect protein function. These predictions have not been confirmed by published functional studies and their clinical significance is uncertain. This variant has not been reported in the literature in individuals with FANCI-related disease. This variant is not present in population databases (ExAC no frequency). This sequence change replaces methionine with leucine at codon 511 of the FANCI protein (p.Met511Leu). The methionine residue is highly conserved and there is a small physicochemical difference between methionine and leucine.